The following is an entry in ClinVar:

NM_001077350.3(NPRL3):c.1175A>C (p.Gln392Pro)

Genes: HBA-LCR (alpha-globin locus control region; plus strand), NPRL3 (NPR3 like, GATOR1 complex subunit; minus strand). Cytogenetic location: 16p13.3.
Variant type: single nucleotide variant.
Coding change: c.1175A>C on transcript NM_001077350.3 (MANE Select); coding-DNA position 1175, A replaced by C.
Protein change: p.Gln392Pro; replaces glutamine 392 with proline.
Molecular consequence: missense variant.
Genome position (GRCh38, 1-based): chr16:89,889, T>G on the plus strand (A>C on the coding strand, the complement: NPRL3 is on the minus strand). VCF-style: chr16-89889-T-G. GRCh37 (hg19) VCF-style: chr16-139887-T-G.
Other names: c.638A>C, p.Gln213Pro (NM_001039476.3); c.941A>C, p.Gln314Pro (NM_001243247.2); c.1100A>C, p.Gln367Pro (NM_001243248.2, NM_001243249.2); short protein forms Q213P, Q314P, Q367P, Q392P.
Identifiers: ClinVar variation 3373249 (VCV003373249.3).

ClinVar aggregate classification (germline): Uncertain significance. Review status: criteria provided, multiple submitters, no conflicts (2 of 4 stars). 2 submissions from 2 submitters: Uncertain significance (2). Last evaluated 2024-05-07.

Conditions:
Epilepsy, familial focal, with variable foci 3 (FFEVF3). Identifiers: MedGen C4310708, MONDO:0014925, OMIM 617118.

Submissions (2):

Labcorp Genetics (formerly Invitae), Labcorp
Classification: Uncertain significance for Epilepsy, familial focal, with variable foci 3. Last evaluated: 2024-05-07. Review status: criteria provided, single submitter. Criteria: Invitae Variant Classification Sherloc (09022015). Collection method: clinical testing. Allele origin: germline.
Comment: This sequence change replaces glutamine, which is neutral and polar, with proline, which is neutral and non-polar, at codon 392 of the NPRL3 protein (p.Gln392Pro). This variant is not present in population databases (gnomAD no frequency). This variant has not been reported in the literature in individuals affected with NPRL3-related conditions. Advanced modeling of protein sequence and biophysical properties (such as structural, functional, and spatial information, amino acid conservation, physicochemical variation, residue mobility, and thermodynamic stability) has been performed at Invitae for this missense variant, however the output from this modeling did not meet the statistical confidence thresholds required to predict the impact of this variant on NPRL3 protein function. In summary, the available evidence is currently insufficient to determine the role of this variant in disease. Therefore, it has been classified as a Variant of Uncertain Significance.

GeneDx
Classification: Uncertain significance. Last evaluated: 2024-04-30. Review status: criteria provided, single submitter. Criteria: GeneDx Variant Classification Process June 2021. Collection method: clinical testing. Allele origin: germline. Affected: yes.
Comment: Not observed at significant frequency in large population cohorts (gnomAD); In silico analysis supports that this missense variant has a deleterious effect on protein structure/function; Has not been previously published as pathogenic or benign to our knowledge